The following is an entry in ClinVar:

ClinVar aggregate classification (germline): Pathogenic/Likely pathogenic. Review status: criteria provided, multiple submitters, no conflicts (2 of 4 stars). 4 submissions from 4 submitters: Pathogenic (2); Likely pathogenic (1). 1 of the submissions does not count toward it. Last evaluated 2024-08-31.

Conditions:
Retinal dystrophy. Also called: Inherited retinal dystrophy. Identifiers: Orphanet 71862, MedGen C0854723, MeSH D058499, MONDO:0019118, HP:0000556.
PRPH2-related disorder. Also called: PRPH2-related condition; PRPH2-related disorders. Identifiers: MedGen CN239395.

Submissions (4):

Labcorp Genetics (formerly Invitae), Labcorp
Classification: Pathogenic for PRPH2-related disorder. Last evaluated: 2024-08-31. Review status: criteria provided, single submitter. Criteria: Invitae Variant Classification Sherloc (09022015). Collection method: clinical testing. Allele origin: germline.
Comment: This sequence change replaces proline, which is neutral and non-polar, with arginine, which is basic and polar, at codon 216 of the PRPH2 protein (p.Pro216Arg). This variant is not present in population databases (gnomAD no frequency). This missense change has been observed in individuals with autosomal dominant retinitis pigmentosa (PMID: 16799052; internal data). ClinVar contains an entry for this variant (Variation ID: 1073211). Invitae Evidence Modeling of protein sequence and biophysical properties (such as structural, functional, and spatial information, amino acid conservation, physicochemical variation, residue mobility, and thermodynamic stability) indicates that this missense variant is expected to disrupt PRPH2 protein function with a positive predictive value of 95%. This variant disrupts the p.Pro216 amino acid residue in PRPH2. Other variant(s) that disrupt this residue have been determined to be pathogenic (PMID: 7754251, 8058286, 28559085). This suggests that this residue is clinically significant, and that variants that disrupt this residue are likely to be disease-causing. For these reasons, this variant has been classified as Pathogenic.

Dept Of Ophthalmology, Nagoya University
Classification: Likely pathogenic for Retinal dystrophy. Last evaluated: 2023-10-01. Review status: criteria provided, single submitter. Criteria: Submitter's publication. Collection method: research. Allele origin: germline. Affected: yes.

Institute of Human Genetics, Univ. Regensburg, Univ. Regensburg
Classification: Pathogenic for Retinal dystrophy. Last evaluated: 2019-01-01. Review status: criteria provided, single submitter. Criteria: ACMG Guidelines, 2015. Collection method: clinical testing. Allele origin: germline. Affected: yes.

Leiden Open Variation Database
Classification: Likely pathogenic. Last evaluated: 2021-03-07. Review status: no assertion criteria provided. Collection method: curation. Allele origin: germline. Affected: yes. Not counted in ClinVar's aggregate classification.
Comment: Curator: Global Variome, with Curator vacancy. Submitters to LOVD: Julia Lopez, LOVD.

Literature cited by the submitters: PubMed 16799052 (cited by 3 submitters); PubMed 7754251 (cited by Labcorp Genetics (formerly Invitae), Labcorp); PubMed 8058286 (cited by Labcorp Genetics (formerly Invitae), Labcorp); PubMed 28559085 (cited by Labcorp Genetics (formerly Invitae), Labcorp); PubMed 3441139 (cited by Institute of Human Genetics, Univ. Regensburg, Univ. Regensburg); PubMed 29641573 (cited by Leiden Open Variation Database).

NM_000322.5(PRPH2):c.647C>G (p.Pro216Arg)

Gene: PRPH2 (peripherin 2; minus strand). Cytogenetic location: 6p21.1.
Variant type: single nucleotide variant.
Coding change: c.647C>G on transcript NM_000322.5 (MANE Select); coding-DNA position 647, C replaced by G.
Protein change: p.Pro216Arg; replaces proline 216 with arginine.
Molecular consequence: missense variant.
Genome position (GRCh38, 1-based): chr6:42,704,546, G>C on the plus strand (C>G on the coding strand, the complement: PRPH2 is on the minus strand). VCF-style: chr6-42704546-G-C. GRCh37 (hg19) VCF-style: chr6-42672284-G-C.
Other names: short protein forms P216R.
Identifiers: ClinVar variation 1073211 (VCV001073211.12), dbSNP rs61755806, ClinGen allele CA364135534.